The following is an entry in ClinVar:

ClinVar aggregate classification (germline): Uncertain significance. Review status: criteria provided, multiple submitters, no conflicts (2 of 4 stars). 2 submissions from 2 submitters: Uncertain significance (2). Last evaluated 2023-11-03.

Conditions:
Early-infantile DEE. Also called: Ohtahara syndrome; Early infantile epileptic encephalopathy with suppression bursts; Early infantile epileptic encephalopathy. Identifiers: Orphanet 1934, MedGen C0393706, MONDO:0800491.

Allele frequency attached by ClinVar (database versions not stated): gnomAD exomes below 0.00001; ExAC 0.00003.
gnomAD v4.1: 5 of 1,603,696 alleles (0.00031%); highest among the groups gnomAD compares: South Asian, 0.0055%; no homozygotes.

Submissions (2):

Revvity Omics, Revvity
Classification: Uncertain significance. Last evaluated: 2023-11-03. Review status: criteria provided, single submitter. Criteria: ACMG Guidelines, 2015. Collection method: clinical testing. Allele origin: germline.

Labcorp Genetics (formerly Invitae), Labcorp
Classification: Uncertain significance for Early-infantile DEE. Last evaluated: 2023-06-25. Review status: criteria provided, single submitter. Criteria: Invitae Variant Classification Sherloc (09022015). Collection method: clinical testing. Allele origin: germline.
Comment: In summary, the available evidence is currently insufficient to determine the role of this variant in disease. Therefore, it has been classified as a Variant of Uncertain Significance. An algorithm developed to predict the effect of missense changes on protein structure and function (PolyPhen-2) suggests that this variant is likely to be tolerated. This variant has not been reported in the literature in individuals affected with KCNQ2-related conditions. This variant is present in population databases (rs758838148, gnomAD 0.01%). This sequence change replaces histidine, which is basic and polar, with arginine, which is basic and polar, at codon 679 of the KCNQ2 protein (p.His679Arg).

NM_172107.4(KCNQ2):c.2036A>G (p.His679Arg)

Gene: KCNQ2 (potassium voltage-gated channel subfamily Q member 2; minus strand). Cytogenetic location: 20q13.33.
Variant type: single nucleotide variant.
Coding change: c.2036A>G on transcript NM_172107.4 (MANE Select); coding-DNA position 2036, A replaced by G.
Protein change: p.His679Arg; replaces histidine 679 with arginine.
Molecular consequence: missense variant.
Genome position (GRCh38, 1-based): chr20:63,407,227, T>C on the plus strand (A>G on the coding strand, the complement: KCNQ2 is on the minus strand). VCF-style: chr20-63407227-T-C. GRCh37 (hg19) VCF-style: chr20-62038580-T-C.
Other names: c.2090A>G, p.His697Arg (NM_001382235.1); c.1952A>G, p.His651Arg (NM_004518.6); c.1982A>G, p.His661Arg (NM_172106.3); c.1943A>G, p.His648Arg (NM_172108.5); short protein forms H648R, H651R, H661R, H679R, H697R.
Identifiers: ClinVar variation 2689297 (VCV002689297.5), dbSNP rs758838148, ClinGen allele CA9958165.